The following is an entry in ClinVar:

ClinVar aggregate classification (germline): Uncertain significance (1 of 4 stars; one submission).

Conditions:
KMT2B-related disorder. Also called: KMT2B-related disorders; KMT2B-related condition. Identifiers: MedGen CN381338.

Submission:

PreventionGenetics, part of Exact Sciences
Classification: Uncertain significance for KMT2B-related condition. Last evaluated: 2025-09-10. Review status: criteria provided, single submitter. Criteria: ACMG Guidelines, 2015. Collection method: clinical testing. Allele origin: germline.
Comment: The KMT2B c.7201G>A variant is predicted to result in the amino acid substitution p.Asp2401Asn. To our knowledge, this variant has not been reported in the literature. This variant is reported in 0.00089% of alleles in individuals of European (Non-Finnish) descent in gnomAD. At this time, the clinical significance of this variant is uncertain due to the absence of conclusive functional and genetic evidence.

NM_014727.3(KMT2B):c.7201G>A (p.Asp2401Asn)

Gene: KMT2B (lysine methyltransferase 2B; plus strand). Cytogenetic location: 19q13.12.
Variant type: single nucleotide variant.
Coding change: c.7201G>A on transcript NM_014727.3 (MANE Select); coding-DNA position 7201, G replaced by A.
Protein change: p.Asp2401Asn; replaces aspartic acid 2401 with asparagine.
Molecular consequence: missense variant.
Genome position (GRCh38, 1-based): chr19:35,736,731, G>A. VCF-style: chr19-35736731-G-A. GRCh37 (hg19) VCF-style: chr19-36227632-G-A.
Other names: short protein forms D2401N.
Identifiers: ClinVar variation 4982071 (VCV004982071.1).